The following is an entry in ClinVar:

NM_001330260.2(SCN8A):c.4634C>T (p.Thr1545Ile)

Gene: SCN8A (sodium voltage-gated channel alpha subunit 8; plus strand). Cytogenetic location: 12q13.13.
Variant type: single nucleotide variant.
Coding change: c.4634C>T on transcript NM_001330260.2 (MANE Select); coding-DNA position 4634, C replaced by T.
Protein change: p.Thr1545Ile; replaces threonine 1545 with isoleucine.
Molecular consequence: missense variant.
Genome position (GRCh38, 1-based): chr12:51,794,480, C>T. VCF-style: chr12-51794480-C-T. GRCh37 (hg19) VCF-style: chr12-52188264-C-T.
Other names: c.4511C>T, p.Thr1504Ile (NM_001177984.3, NM_001369788.1); c.4634C>T, p.Thr1545Ile (NM_014191.4); short protein forms T1545I, T1504I.
Identifiers: ClinVar variation 548028 (VCV000548028.18), dbSNP rs759753811, ClinGen allele CA6571844.

ClinVar aggregate classification (germline): Conflicting classifications of pathogenicity. Review status: criteria provided, conflicting classifications (1 of 4 stars). 3 submissions from 3 submitters: Uncertain significance (2); Likely benign (1). Last evaluated 2024-04-10.

Conditions:
Early-infantile DEE. Also called: Early infantile epileptic encephalopathy; Early infantile epileptic encephalopathy with suppression bursts; Ohtahara syndrome. Identifiers: Orphanet 1934, MedGen C0393706, MONDO:0800491.
Developmental and epileptic encephalopathy, 13 (DEE13). Also called: Early infantile epileptic encephalopathy 13; SCN8A-Related Epilepsy; Developmental and Epileptic Encephalopathy (SCN8A-DEE). Identifiers: Orphanet 442835, MedGen C3281191, MONDO:0013801, OMIM 614558.
Seizures, benign familial infantile, 5 (BFIS5). Also called: CONVULSIONS, BENIGN FAMILIAL INFANTILE, 5. Identifiers: Orphanet 306, MedGen C4310728, MONDO:0014903, OMIM 617080.
Inborn genetic diseases. Identifiers: MedGen C0950123, MeSH D030342.

Allele frequency attached by ClinVar (database versions not stated): gnomAD exomes below 0.00001 and 0.00001; ExAC 0.00001.
gnomAD v4.1: 5 of 1,613,986 alleles (0.00031%); highest among the groups gnomAD compares: East Asian, 0.0022%; no homozygotes.

Submissions (3):

Labcorp Genetics (formerly Invitae), Labcorp
Classification: Likely benign for Early-infantile DEE. Last evaluated: 2024-04-10. Review status: criteria provided, single submitter. Criteria: Invitae Variant Classification Sherloc (09022015). Collection method: clinical testing. Allele origin: germline.

Mayo Clinic Laboratories, Mayo Clinic
Classification: Uncertain significance for Seizures, benign familial infantile, 5; Developmental and epileptic encephalopathy, 13. Last evaluated: 2018-02-15. Review status: criteria provided, single submitter. Criteria: ACMG Guidelines, 2015. Collection method: clinical testing. Allele origin: paternal.

Ambry Genetics
Classification: Uncertain significance for Inborn genetic diseases. Last evaluated: 2017-07-18. Review status: criteria provided, single submitter. Criteria: Ambry Variant Classification Scheme 2023. Collection method: clinical testing. Allele origin: germline.
Comment: The p.T1545I variant (also known as c.4634C>T), located in coding exon 25 of the SCN8A gene, results from a C to T substitution at nucleotide position 4634. The threonine at codon 1545 is replaced by isoleucine, an amino acid with similar properties. This amino acid position is not well conserved in available vertebrate species. In addition, the in silico prediction for this alteration is inconclusive. Since supporting evidence is limited at this time, the clinical significance of this alteration remains unclear.